The following is an entry in ClinVar:

NM_003072.5(SMARCA4):c.893C>T (p.Thr298Ile)

Gene: SMARCA4 (SWI/SNF related BAF chromatin remodeling complex subunit ATPase 4; plus strand). Cytogenetic location: 19p13.2.
Variant type: single nucleotide variant.
Coding change: c.893C>T on transcript NM_003072.5 (MANE Select); coding-DNA position 893, C replaced by T.
Protein change: p.Thr298Ile; replaces threonine 298 with isoleucine.
Molecular consequence: missense variant. On other transcripts: non-coding transcript variant (1).
Genome position (GRCh38, 1-based): chr19:10,987,699, C>T. VCF-style: chr19-10987699-C-T. GRCh37 (hg19) VCF-style: chr19-11098375-C-T.
Other names: c.893C>T, p.Thr298Ile (NM_001128844.3, NM_001128845.2, NM_001128846.2 and 5 more transcripts); short protein forms T298I.
Identifiers: ClinVar variation 650088 (VCV000650088.17), dbSNP rs748459210, ClinGen allele CA9203622.

ClinVar aggregate classification (germline): Conflicting classifications of pathogenicity. Review status: criteria provided, conflicting classifications (1 of 4 stars). 5 submissions from 5 submitters: Uncertain significance (4); Likely benign (1). Last evaluated 2026-07-10.

Conditions:
Rhabdoid tumor predisposition syndrome 2 (RTPS2). Identifiers: Orphanet 231108, Orphanet 69077, MedGen C2750074, MONDO:0013224, OMIM 613325.
SMARCA4-related disorder. Also called: SMARCA4-related condition.
Hereditary cancer-predisposing syndrome. Also called: Neoplastic Syndromes, Hereditary; Tumor predisposition; Hereditary neoplastic syndrome; Hereditary Cancer Syndrome. Identifiers: Orphanet 140162, MedGen C0027672, MeSH D009386, MONDO:0015356.
Intellectual disability, autosomal dominant 16 (CSS4). Also called: COFFIN-SIRIS SYNDROME 4. Identifiers: Orphanet 1465, MedGen C3553249, MONDO:0013821, OMIM 614609.

gnomAD v4.1: 2 of 1,612,594 alleles (0.00012%); highest among the groups gnomAD compares: Non-Finnish European, 0.00017%; no homozygotes.

Submissions (5):

PreventionGenetics, part of Exact Sciences
Classification: Uncertain significance for SMARCA4-related condition. Last evaluated: 2026-07-10. Review status: criteria provided, single submitter. Criteria: ACMG Guidelines, 2015. Collection method: clinical testing. Allele origin: germline.
Comment: The SMARCA4 c.893C>T variant is predicted to result in the amino acid substitution p.Thr298Ile. To our knowledge, this variant has not been reported in the literature or in a large population database (gnomAD), indicating it is rare. It has conflicting interpretations in ClinVar ranging from likely benign to uncertain (Variation ID: 650088). At this time, the clinical significance of this variant is uncertain due to the absence of conclusive functional and genetic evidence.

Labcorp Genetics (formerly Invitae), Labcorp
Classification: Uncertain significance for Rhabdoid tumor predisposition syndrome 2. Last evaluated: 2025-05-18. Review status: criteria provided, single submitter. Criteria: Invitae Variant Classification Sherloc (09022015). Collection method: clinical testing. Allele origin: germline.
Comment: This sequence change replaces threonine, which is neutral and polar, with isoleucine, which is neutral and non-polar, at codon 298 of the SMARCA4 protein (p.Thr298Ile). This variant is present in population databases (rs748459210, gnomAD 0.001%). This variant has not been reported in the literature in individuals affected with SMARCA4-related conditions. ClinVar contains an entry for this variant (Variation ID: 650088). Invitae Evidence Modeling of protein sequence and biophysical properties (such as structural, functional, and spatial information, amino acid conservation, physicochemical variation, residue mobility, and thermodynamic stability) indicates that this missense variant is not expected to disrupt SMARCA4 protein function with a negative predictive value of 95%. In summary, the available evidence is currently insufficient to determine the role of this variant in disease. Therefore, it has been classified as a Variant of Uncertain Significance.

Baylor Genetics
Classification: Uncertain significance for Rhabdoid tumor predisposition syndrome 2. Last evaluated: 2023-08-05. Review status: criteria provided, single submitter. Criteria: ACMG Guidelines, 2015. Collection method: clinical testing. Allele origin: unknown.

Ambry Genetics
Classification: Likely benign for Hereditary cancer-predisposing syndrome. Last evaluated: 2022-10-18. Review status: criteria provided, single submitter. Criteria: Ambry Variant Classification Scheme 2023. Collection method: clinical testing. Allele origin: germline.

Genome-Nilou Lab
Classification: Uncertain significance for Intellectual disability, autosomal dominant 16. Last evaluated: 2021-07-15. Review status: criteria provided, single submitter. Criteria: ACMG Guidelines, 2015. Collection method: clinical testing. Allele origin: germline. Affected: no.